The following is an entry in ClinVar:

NM_001130144.3(LTBP3):c.106G>C (p.Gly36Arg)

Gene: LTBP3 (latent transforming growth factor beta binding protein 3; minus strand). Cytogenetic location: 11q13.1.
Variant type: single nucleotide variant.
Coding change: c.106G>C on transcript NM_001130144.3 (MANE Select); coding-DNA position 106, G replaced by C.
Protein change: p.Gly36Arg; replaces glycine 36 with arginine.
Molecular consequence: missense variant. On other transcripts: 5 prime UTR variant (1).
Genome position (GRCh38, 1-based): chr11:65,557,854, C>G on the plus strand (G>C on the coding strand, the complement: LTBP3 is on the minus strand). VCF-style: chr11-65557854-C-G. GRCh37 (hg19) VCF-style: chr11-65325325-C-G.
Other names: c.-242G>C (NM_001164266.1); c.106G>C, p.Gly36Arg (NM_021070.4); short protein forms G36R.
Identifiers: ClinVar variation 4701774 (VCV004701774.1).

ClinVar aggregate classification (germline): Uncertain significance (1 of 4 stars; one submission).

Conditions:
Brachyolmia-amelogenesis imperfecta syndrome. Also called: Tooth agenesis, selective, 6; Dental anomalies and short stature; PLATYSPONDYLY WITH AMELOGENESIS IMPERFECTA. Identifiers: Orphanet 2899, MedGen C1832594, MONDO:0011018, OMIM 601216. Disease mechanism: loss of function.

gnomAD v4.1: 1 of 1,320,154 alleles (0.000076%); highest among the groups gnomAD compares: African/African-American, 0.0015%; no homozygotes.

Submission:

Labcorp Genetics (formerly Invitae), Labcorp
Classification: Uncertain significance for Brachyolmia-amelogenesis imperfecta syndrome. Last evaluated: 2025-04-10. Review status: criteria provided, single submitter. Criteria: Invitae Variant Classification Sherloc (09022015). Collection method: clinical testing. Allele origin: germline.
Comment: This sequence change replaces glycine, which is neutral and non-polar, with arginine, which is basic and polar, at codon 36 of the LTBP3 protein (p.Gly36Arg). This variant is not present in population databases (gnomAD no frequency). This variant has not been reported in the literature in individuals affected with LTBP3-related conditions. Experimental studies and prediction algorithms are not available or were not evaluated, and the functional significance of this variant is currently unknown. In summary, the available evidence is currently insufficient to determine the role of this variant in disease. Therefore, it has been classified as a Variant of Uncertain Significance.